The following is an entry in ClinVar:

NM_001191061.2(SLC25A22):c.294-80G>A

Gene: SLC25A22 (solute carrier family 25 member 22; minus strand). Cytogenetic location: 11p15.5.
Variant type: single nucleotide variant.
Coding change: c.294-80G>A on transcript NM_001191061.2 (MANE Select); 80 bases into the intron before coding-DNA position 294, G replaced by A.
Molecular consequence: intron variant.
Genome position (GRCh38, 1-based): chr11:793,068, C>T on the plus strand (G>A on the coding strand, the complement: SLC25A22 is on the minus strand). VCF-style: chr11-793068-C-T. GRCh37 (hg19) VCF-style: chr11-793068-C-T.
Other names: c.294-80G>A (NM_001191060.2, NM_024698.6).
Identifiers: ClinVar variation 675173 (VCV000675173.1), dbSNP rs116352574, ClinGen allele CA216994103.

ClinVar aggregate classification (germline): Likely benign (1 of 4 stars; one submission).

Allele frequency attached by ClinVar (database versions not stated): gnomAD 0.00738; TOPMed 0.00902; 1000 Genomes Project 0.00919; 1000 Genomes Project 30x 0.00953.
gnomAD v4.1: 1,994 of 1,373,570 alleles (0.15%); highest among the groups gnomAD compares: African/African-American, 2.6%; 27 homozygotes.

Submission:

GeneDx
Classification: Likely benign. Last evaluated: 2018-06-19. Review status: criteria provided, single submitter. Criteria: GeneDx Variant Classification (06012015). Collection method: clinical testing. Allele origin: germline. Affected: yes.
Comment: This variant is considered likely benign or benign based on one or more of the following criteria: it is a conservative change, it occurs at a poorly conserved position in the protein, it is predicted to be benign by multiple in silico algorithms, and/or has population frequency not consistent with disease.